The following is an entry in ClinVar:

NM_001123385.2(BCOR):c.2320A>T (p.Lys774Ter)

Gene: BCOR (BCL6 corepressor; minus strand). Cytogenetic location: Xp11.4.
Variant type: single nucleotide variant.
Coding change: c.2320A>T on transcript NM_001123385.2 (MANE Select); coding-DNA position 2320, A replaced by T.
Protein change: p.Lys774Ter; replaces lysine 774 with a stop codon.
Molecular consequence: nonsense.
Genome position (GRCh38, 1-based): chrX:40,073,026, T>A on the plus strand (A>T on the coding strand, the complement: BCOR is on the minus strand). VCF-style: chrX-40073026-T-A. GRCh37 (hg19) VCF-style: chrX-39932279-T-A.
Other names: c.2320A>T, p.Lys774Ter (NM_001123383.2, NM_001123384.2, NM_017745.6); short protein forms K774*.
Identifiers: ClinVar variation 3775815 (VCV003775815.1).
Genomic context (GRCh38, chrX:40,073,026, plus strand): 5'-CTTGATTCCAGTTGGGGTTCGGCTTTAGGTTCTTGTCGGTGGGGACATCTGGATGTAACT[T>A]GGTGCTGCTAGTTTCCAAAATCTCGGAAAACCGATTCCGGAGGGTTGGGTCCTCGTAACG-3'

ClinVar aggregate classification (germline): Likely pathogenic (1 of 4 stars; one submission).

Conditions:
Oculofaciocardiodental syndrome (MCOPS2). Identifiers: Orphanet 2712, MedGen C1846265, MONDO:0010261, OMIM 300166.

Submission:

3billion
Classification: Likely pathogenic for Oculofaciocardiodental syndrome. Last evaluated: 2023-12-04. Review status: criteria provided, single submitter. Criteria: ACMG Guidelines, 2015. Collection method: clinical testing. Allele origin: germline. Affected: yes.
Comment: The variant is not observed in the gnomAD v2.1.1 dataset. Predicted Consequence/Location: Stop-gained (nonsense): predicted to result in a loss or disruption of normal protein function through nonsense-mediated decay (NMD) or protein truncation. Multiple pathogenic variants are reported downstream of the variant. Therefore, this variant is classified as Likely pathogenic according to the recommendation of ACMG/AMP guideline.